The following is an entry in ClinVar:

ClinVar aggregate classification (germline): Pathogenic/Likely pathogenic. Review status: criteria provided, multiple submitters, no conflicts (2 of 4 stars). 3 submissions from 3 submitters: Pathogenic (2); Likely pathogenic (1). Last evaluated 2024-06-12.

Conditions:
Inborn genetic diseases. Identifiers: MedGen C0950123, MeSH D030342.
Neurodegeneration with brain iron accumulation 2B. Also called: NEUROAXONAL DYSTROPHY, ATYPICAL; NEURODEGENERATION WITH BRAIN IRON ACCUMULATION, PLA2G6-RELATED; aNAD; atypical Neuroaxonal Dystrophy (aNAD). Identifiers: Orphanet 35069, MedGen C1857747, MONDO:0012444, OMIM 610217.
Autosomal recessive Parkinson disease 14. Also called: DYSTONIA-PARKINSONISM, ADULT-ONSET; PARKINSON DISEASE 14. Identifiers: Orphanet 199351, MedGen C2751842, MONDO:0013060, OMIM 612953.
Infantile neuroaxonal dystrophy (NBIA2A). Also called: SEITELBERGER DISEASE; Infantile neuroaxonal dystrophy 1; NEURODEGENERATION WITH BRAIN IRON ACCUMULATION 2A. Identifiers: Orphanet 35069, MedGen C0270724, MONDO:0024457, OMIM 256600.

Allele frequency attached by ClinVar (database versions not stated): TOPMed below 0.00001.

Submissions (3):

Fulgent Genetics
Classification: Likely pathogenic for Infantile neuroaxonal dystrophy; Neurodegeneration with brain iron accumulation 2B; Autosomal recessive Parkinson disease 14. Last evaluated: 2024-06-12. Review status: criteria provided, single submitter. Criteria: ACMG Guidelines, 2015. Collection method: clinical testing. Allele origin: germline.

GeneDx
Classification: Pathogenic. Last evaluated: 2024-04-28. Review status: criteria provided, single submitter. Criteria: GeneDx Variant Classification Process June 2021. Collection method: clinical testing. Allele origin: germline. Affected: yes.
Comment: Frameshift variant predicted to result in protein truncation or nonsense mediated decay in a gene for which loss of function is a known mechanism of disease; Not observed at significant frequency in large population cohorts (gnomAD); This variant is associated with the following publications: (PMID: Veerapandiyan2017[CaseReport])

Ambry Genetics
Classification: Pathogenic for Inborn genetic diseases. Last evaluated: 2014-09-08. Review status: criteria provided, single submitter. Criteria: Ambry Autosomal Dominant and X-Linked criteria (10/2015). Collection method: clinical testing. Allele origin: germline. Observed: 1 variant allele.

NM_003560.4(PLA2G6):c.1019_1025del (p.Gly340fs)

Gene: PLA2G6 (phospholipase A2 group VI; minus strand). Cytogenetic location: 22q13.1.
Variant type: Deletion.
Coding change: c.1019_1025del on transcript NM_003560.4 (MANE Select); coding-DNA positions 1019 to 1025, 7 bases deleted (GGGCCAA; older notation c.1019_1025delGGGCCAA).
Protein change: p.Gly340fs; shifts the reading frame from glycine 340.
Molecular consequence: frameshift variant.
Genome position (GRCh38, 1-based): chr22:38,132,883-38,132,889, TTGGCCC deleted on the plus strand (GGGCCAA on the coding strand, the reverse complement: PLA2G6 is on the minus strand). VCF-style (leftmost placement, unchanged base first): chr22-38132882-GTTGGCCC-G. GRCh37 (hg19) VCF-style: chr22-38528889-GTTGGCCC-G.
Other names: c.1019_1025del, p.Gly340fs (NM_001004426.3, NM_001199562.3, NM_001349864.2 and 2 more transcripts); c.485_491del, p.Gly162fs (NM_001349867.2, NM_001349869.2); c.341_347del, p.Gly114fs (NM_001349868.2); short protein forms G114fs, G162fs, G340fs.
Identifiers: ClinVar variation 208712 (VCV000208712.5), dbSNP rs797044903, ClinGen allele CA204738.